The following is an entry in ClinVar:

ClinVar aggregate classification (germline): Uncertain significance (1 of 4 stars; one submission).

Conditions:
Autosomal dominant nocturnal frontal lobe epilepsy 5. Also called: KCNT1-Related Epilepsy; CILIARY DYSKINESIA, PRIMARY, 28, WITHOUT SITUS INVERSUS; CILIARY DYSKINESIA, PRIMARY, 28, WITH SITUS INVERSUS; Epilepsy, nocturnal frontal lobe, 5. Identifiers: Orphanet 98784, MedGen C3554306, MONDO:0014002, OMIM 615005.
Developmental and epileptic encephalopathy, 14 (DEE14). Also called: Early infantile epileptic encephalopathy 14. Identifiers: Orphanet 293181, MedGen C3554195, MONDO:0013989, OMIM 614959.

Allele frequency attached by ClinVar (database versions not stated): TOPMed below 0.00001; gnomAD 0.00001.

Submission:

Labcorp Genetics (formerly Invitae), Labcorp
Classification: Uncertain significance for Autosomal dominant nocturnal frontal lobe epilepsy 5; Developmental and epileptic encephalopathy, 14. Last evaluated: 2020-03-10. Review status: criteria provided, single submitter. Criteria: Invitae Variant Classification Sherloc (09022015). Collection method: clinical testing. Allele origin: germline.
Comment: In summary, the available evidence is currently insufficient to determine the role of this variant in disease. Therefore, it has been classified as a Variant of Uncertain Significance. Nucleotide substitutions within the consensus splice site are a relatively common cause of aberrant splicing (PMID: 17576681, 9536098). Algorithms developed to predict the effect of sequence changes on RNA splicing suggest that this variant may disrupt the consensus splice site, but this prediction has not been confirmed by published transcriptional studies. This variant has not been reported in the literature in individuals with KCNT1-related conditions. This variant is not present in population databases (ExAC no frequency). This sequence change falls in intron 29 of the KCNT1 gene. It does not directly change the encoded amino acid sequence of the KCNT1 protein, but it affects nucleotides within the consensus splice site of the intron.

Literature cited by the submitters: PubMed 17576681; PubMed 9536098.

NM_020822.3(KCNT1):c.3502+2dup

Gene: KCNT1 (potassium sodium-activated channel subfamily T member 1; plus strand). Cytogenetic location: 9q34.3.
Variant type: Duplication.
Coding change: c.3502+2dup on transcript NM_020822.3 (MANE Select); the canonical splice donor site of the intron after coding-DNA position 3502, one base duplicated (T; older notation c.3502+2dupT).
Molecular consequence: splice donor variant.
Genome position (GRCh38, 1-based): chr9:135,786,523, T duplicated. VCF-style (leftmost placement, unchanged base first): chr9-135786522-G-GT. GRCh37 (hg19) VCF-style: chr9-138678368-G-GT.
Other names: c.3367+2dup (NM_001272003.2).
Identifiers: ClinVar variation 1044458 (VCV001044458.7), dbSNP rs1336283260, ClinGen allele CA860973212.
Genomic context (GRCh38, chr9:135,786,522, plus strand): 5'-AGCTCTCCGAGCTGGTGAAGAACCGCATGAAGCACCTGGGGCTGCCCACCACCGGCTACG[G>GT]TAAGGGCACACGGCGCGGGTGGGGGCCGGACGGACGGACTGGGCCAGGGTCGGGCCACAG-3'